The following is an entry in ClinVar:

NM_000834.5(GRIN2B):c.170A>T (p.Asp57Val)

Gene: GRIN2B (glutamate ionotropic receptor NMDA type subunit 2B; minus strand). Cytogenetic location: 12p13.1.
Variant type: single nucleotide variant.
Coding change: c.170A>T on transcript NM_000834.5 (MANE Select); coding-DNA position 170, A replaced by T.
Protein change: p.Asp57Val; replaces aspartic acid 57 with valine.
Molecular consequence: missense variant.
Genome position (GRCh38, 1-based): chr12:13,866,039, T>A on the plus strand (A>T on the coding strand, the complement: GRIN2B is on the minus strand). VCF-style: chr12-13866039-T-A. GRCh37 (hg19) VCF-style: chr12-14018973-T-A.
Other names: short protein forms D57V.
Identifiers: ClinVar variation 856013 (VCV000856013.15), dbSNP rs1019298480, ClinGen allele CA233148012.
Genomic context (GRCh38, chr12:13,866,039, plus strand): 5'-TCGGTCTCATTCATGGCTACCAGTTCCACCCGGGGTACCACGGAGAGATGGTGGAAATCA[T>A]CTTTCTCGTGGGCATCCTTGATGGCCACCTCGTCGGAAGTGCCCACGAGGATGACAGCAA-3'
Protein context (NP_000825.2, residues 47-67): EVAIKDAHEK[Asp57Val]DFHHLSVVPR

ClinVar aggregate classification (germline): Conflicting classifications of pathogenicity. Review status: criteria provided, conflicting classifications (1 of 4 stars). 3 submissions from 3 submitters: Uncertain significance (1); Likely benign (2). Last evaluated 2025-04-20.

Conditions:
Inborn genetic diseases. Identifiers: MedGen C0950123, MeSH D030342.
Intellectual developmental disorder, autosomal dominant 6, with or without seizures. Also called: Intellectual disability, autosomal dominant 6; GRIN2B-related developmental delay, intellectual disability and autism spectrum disorder. Identifiers: Orphanet 589547, MedGen C3151411, MONDO:0013509, OMIM 613970.
Developmental and epileptic encephalopathy, 27 (DEE27). Also called: GRIN2B-Related Neurodevelopmental Disorder; Epileptic encephalopathy, early infantile, 27. Identifiers: Orphanet 3451, MedGen C4015316, MONDO:0014505, OMIM 616139.

Allele frequency attached by ClinVar (database versions not stated): TOPMed 0.00001; gnomAD 0.00003 and 0.00004; gnomAD exomes below 0.00001.
gnomAD v4.1: 32 of 1,613,882 alleles (0.002%); highest among the groups gnomAD compares: Admixed American, 0.0033%; no homozygotes.

Submissions (3):

Labcorp Genetics (formerly Invitae), Labcorp
Classification: Likely benign for Developmental and epileptic encephalopathy, 27; Intellectual developmental disorder, autosomal dominant 6, with or without seizures. Last evaluated: 2025-04-20. Review status: criteria provided, single submitter. Criteria: Invitae Variant Classification Sherloc (09022015). Collection method: clinical testing. Allele origin: germline.

GeneDx
Classification: Likely benign. Last evaluated: 2020-02-11. Review status: criteria provided, single submitter. Criteria: GeneDx Variant Classification Process June 2021. Collection method: clinical testing. Allele origin: germline. Affected: yes.

Ambry Genetics
Classification: Uncertain significance for Inborn genetic diseases. Last evaluated: 2017-09-30. Review status: criteria provided, single submitter. Criteria: Ambry Variant Classification Scheme 2023. Collection method: clinical testing. Allele origin: germline.
Comment: The p.D57V variant (also known as c.170A>T), located in coding exon 1 of the GRIN2B gene, results from an A to T substitution at nucleotide position 170. The aspartic acid at codon 57 is replaced by valine, an amino acid with highly dissimilar properties. This amino acid position is not well conserved in available vertebrate species. In addition, this alteration is predicted to be deleterious by in silico analysis. Since supporting evidence is limited at this time, the clinical significance of this alteration remains unclear.